The following is an entry in ClinVar:

ClinVar aggregate classification (germline): Likely benign. Review status: criteria provided, multiple submitters, no conflicts (2 of 4 stars). 2 submissions from 2 submitters: Likely benign (2). Last evaluated 2023-11-03.

Conditions:
Hereditary breast ovarian cancer syndrome. Also called: Hereditary breast and ovarian cancer syndrome; Breast and ovarian cancer; Hereditary breast and ovarian cancer syndrome (HBOC); Hereditary breast and/or ovarian cancer syndrome; BRCA1- and BRCA2-Associated Hereditary Breast and Ovarian Cancer; Hereditary breast and ovarian cancer. Identifiers: Orphanet 145, MedGen C0677776, MeSH D061325, MONDO:0003582. Disease mechanism: loss of function.

Allele frequency attached by ClinVar (database versions not stated): gnomAD exomes below 0.00001.

Submissions (3):

Labcorp Genetics (formerly Invitae), Labcorp
Classification: Likely benign for Hereditary breast ovarian cancer syndrome. Last evaluated: 2023-11-03. Review status: criteria provided, single submitter. Criteria: Invitae Variant Classification Sherloc (09022015). Collection method: clinical testing. Allele origin: germline.

GeneDx
Classification: Likely benign. Last evaluated: 2016-01-12. Review status: criteria provided, single submitter. Criteria: GeneDx Variant Classification (06012015). Collection method: clinical testing. Allele origin: germline. Affected: yes.
Comment: This variant is considered likely benign or benign based on one or more of the following criteria: it is a conservative change, it occurs at a poorly conserved position in the protein, it is predicted to be benign by multiple in silico algorithms, and/or has population frequency not consistent with disease.

Brotman Baty Institute, University of Washington
No classification provided (evidence only). Condition: Breast-ovarian cancer, familial 1. Review status: no classification provided. Collection method: in vitro. Allele origin: not applicable. Functional consequence: function_uncertain_variant. Not counted in ClinVar's aggregate classification.
ClinVar note: "not provided" was previously submitted as the classification for the variant. However, the classification appeared to be based only on an observation of functional data so it was converted to no classification on 2025-07-30.

NM_007294.4(BRCA1):c.5475G>T (p.Gly1825=)

Gene: BRCA1 (BRCA1 DNA repair associated; minus strand). Cytogenetic location: 17q21.31.
Variant type: single nucleotide variant.
Coding change: c.5475G>T on transcript NM_007294.4 (MANE Select); coding-DNA position 5475, G replaced by T.
Protein change: p.Gly1825=; no amino-acid change (glycine 1825 retained).
Molecular consequence: synonymous variant. On other transcripts: missense variant (17).
Genome position (GRCh38, 1-based): chr17:43,045,795, C>A on the plus strand (G>T on the coding strand, the complement: BRCA1 is on the minus strand). VCF-style: chr17-43045795-C-A. GRCh37 (hg19) VCF-style: chr17-41197812-C-A.
Other names: c.2160G>T, p.Gly720= (NM_001408399.1, NM_001408400.1, NM_001408401.1 and 7 more transcripts); c.2157G>T, p.Gly719= (NM_001408406.1, NM_001408407.1, NM_001408408.1); c.2154G>T, p.Gly718= (NM_001408409.1); c.2091G>T, p.Gly697= (NM_001408410.1); c.2088G>T, p.Gly696= (NM_001408411.1); c.2085G>T, p.Gly695= (NM_001408412.1, NM_001408413.1, NM_001408414.1 and 2 more transcripts); c.2049G>T, p.Gly683= (NM_001408418.1, NM_001408419.1, NM_001408420.1); c.2046G>T, p.Gly682= (NM_001408421.1, NM_001408422.1, NM_001408423.1 and 1 more transcripts); and 83 more; short protein forms A697S, A1754S, A1799S, A696S, A1758S, A1759S, A1801S, A1760S.
Identifiers: ClinVar variation 383141 (VCV000383141.7), dbSNP rs1057520941, ClinGen allele CA10590377.